The following is an entry in ClinVar:

ClinVar aggregate classification (germline): Uncertain significance (1 of 4 stars; one submission).

Conditions:
Catecholaminergic polymorphic ventricular tachycardia 1. Also called: RYR2-Related Catecholaminergic Polymorphic Ventricular Tachycardia; VENTRICULAR TACHYCARDIA, CATECHOLAMINERGIC POLYMORPHIC, 1, WITH OR WITHOUT ATRIAL DYSFUNCTION AND/OR DILATED CARDIOMYOPATHY; VENTRICULAR TACHYCARDIA, STRESS-INDUCED POLYMORPHIC 1. Identifiers: Orphanet 3286, MedGen C1631597, MONDO:0011484, OMIM 604772.

Submission:

Labcorp Genetics (formerly Invitae), Labcorp
Classification: Uncertain significance for Catecholaminergic polymorphic ventricular tachycardia 1. Last evaluated: 2018-07-05. Review status: criteria provided, single submitter. Criteria: Invitae Variant Classification Sherloc (09022015). Collection method: clinical testing. Allele origin: germline.
Comment: This variant has not been reported in the literature in individuals with RYR2-related disease. This variant is not present in population databases (ExAC no frequency). This sequence change replaces glutamine with arginine at codon 2579 of the RYR2 protein (p.Gln2579Arg). The glutamine residue is highly conserved and there is a small physicochemical difference between glutamine and arginine. Algorithms developed to predict the effect of missense changes on protein structure and function are either unavailable or do not agree on the potential impact of this missense change (SIFT: "Deleterious"; PolyPhen-2: "Benign"; Align-GVGD: "Class C35"). In summary, the available evidence is currently insufficient to determine the role of this variant in disease. Therefore, it has been classified as a Variant of Uncertain Significance.

NM_001035.3(RYR2):c.7736A>G (p.Gln2579Arg)

Gene: RYR2 (ryanodine receptor 2; plus strand). Cytogenetic location: 1q43.
Variant type: single nucleotide variant.
Coding change: c.7736A>G on transcript NM_001035.3 (MANE Select); coding-DNA position 7736, A replaced by G.
Protein change: p.Gln2579Arg; replaces glutamine 2579 with arginine.
Molecular consequence: missense variant.
Genome position (GRCh38, 1-based): chr1:237,651,413, A>G. VCF-style: chr1-237651413-A-G. GRCh37 (hg19) VCF-style: chr1-237814713-A-G.
Other names: c.7736A>G, p.Gln2579Arg (LRG_402t1); short protein forms Q2579R.
Identifiers: ClinVar variation 653416 (VCV000653416.10), dbSNP rs1573345482, ClinGen allele CA345399486.